The following is an entry in ClinVar:

ClinVar aggregate classification (germline): Uncertain significance. Review status: criteria provided, multiple submitters, no conflicts (2 of 4 stars). 4 submissions from 4 submitters: Uncertain significance (4). Last evaluated 2026-01-13.

Allele frequency attached by ClinVar (database versions not stated): gnomAD 0.00004; gnomAD exomes 0.00004; TOPMed 0.00005.
gnomAD v4.1: 37 of 1,542,786 alleles (0.0024%); highest among the groups gnomAD compares: Admixed American, 0.0078%; no homozygotes.

Submissions (4):

Labcorp Genetics (formerly Invitae), Labcorp
Classification: Uncertain significance. Last evaluated: 2026-01-13. Review status: criteria provided, single submitter. Criteria: Invitae Variant Classification Sherloc (09022015). Collection method: clinical testing. Allele origin: germline.
Comment: This sequence change replaces arginine, which is basic and polar, with histidine, which is basic and polar, at codon 825 of the MYO7A protein (p.Arg825His). This variant is present in population databases (rs782172320, gnomAD 0.009%). This variant has not been reported in the literature in individuals affected with MYO7A-related conditions. ClinVar contains an entry for this variant (Variation ID: 1315000). Invitae Evidence Modeling of protein sequence and biophysical properties (such as structural, functional, and spatial information, amino acid conservation, physicochemical variation, residue mobility, and thermodynamic stability) indicates that this missense variant is expected to disrupt MYO7A protein function with a positive predictive value of 95%. In summary, the available evidence is currently insufficient to determine the role of this variant in disease. Therefore, it has been classified as a Variant of Uncertain Significance.

CeGaT Center for Human Genetics Tuebingen
Classification: Uncertain significance. Last evaluated: 2024-10-01. Review status: criteria provided, single submitter. Criteria: CeGaT Center For Human Genetics Tuebingen Variant Classification Criteria Version 2. Collection method: clinical testing. Allele origin: germline. Affected: yes. Observed: 1 variant allele.

Blueprint Genetics
Classification: Uncertain significance. Last evaluated: 2021-09-14. Review status: criteria provided, single submitter. Criteria: ACMG Guidelines, 2015. Collection method: clinical testing. Allele origin: germline.

GeneDx
Classification: Uncertain significance. Last evaluated: 2021-04-30. Review status: criteria provided, single submitter. Criteria: GeneDx Variant Classification Process June 2021. Collection method: clinical testing. Allele origin: germline. Affected: yes.
Comment: In silico analysis supports that this missense variant has a deleterious effect on protein structure/function; Has not been previously published as pathogenic or benign to our knowledge

NM_000260.4(MYO7A):c.2474G>A (p.Arg825His)

Gene: MYO7A (myosin VIIA; plus strand). Cytogenetic location: 11q13.5.
Variant type: single nucleotide variant.
Coding change: c.2474G>A on transcript NM_000260.4 (MANE Select); coding-DNA position 2474, G replaced by A.
Protein change: p.Arg825His; replaces arginine 825 with histidine.
Molecular consequence: missense variant.
Genome position (GRCh38, 1-based): chr11:77,179,841, G>A. VCF-style: chr11-77179841-G-A. GRCh37 (hg19) VCF-style: chr11-76890887-G-A.
Other names: c.2474G>A, p.Arg825His (NM_001127180.2); c.2441G>A, p.Arg814His (NM_001369365.1); short protein forms R814H, R825H.
Identifiers: ClinVar variation 1315000 (VCV001315000.20), dbSNP rs782172320, ClinGen allele CA6197850.